The following is an entry in ClinVar:

NM_001288705.3(CSF1R):c.1404G>A (p.Val468=)

Gene: CSF1R (colony stimulating factor 1 receptor; minus strand). Cytogenetic location: 5q32.
Variant type: single nucleotide variant.
Coding change: c.1404G>A on transcript NM_001288705.3 (MANE Select); coding-DNA position 1404, G replaced by A.
Protein change: p.Val468=; no amino-acid change (valine 468 retained).
Molecular consequence: synonymous variant. On other transcripts: non-coding transcript variant (2).
Genome position (GRCh38, 1-based): chr5:150,069,979, C>T on the plus strand (G>A on the coding strand, the complement: CSF1R is on the minus strand). VCF-style: chr5-150069979-C-T. GRCh37 (hg19) VCF-style: chr5-149449542-C-T.
Other names: c.1404G>A, p.Val468= (NM_001349736.2, NM_001375320.1, NM_005211.4); c.960G>A, p.Val320= (NM_001375321.1).
Identifiers: ClinVar variation 352151 (VCV000352151.37), dbSNP rs201654254, ClinGen allele CA3506853.

ClinVar aggregate classification (germline): Benign/Likely benign. Review status: criteria provided, multiple submitters, no conflicts (2 of 4 stars). 4 submissions from 4 submitters: Benign (1); Likely benign (3). Last evaluated 2025-12-10.

Conditions:
Hereditary diffuse leukoencephalopathy with spheroids. Also called: LEUKOENCEPHALOPATHY, ADULT-ONSET, WITH AXONAL SPHEROIDS AND PIGMENTED GLIA. Identifiers: Orphanet 313808, MedGen C3711381, MONDO:0030796.

Allele frequency attached by ClinVar (database versions not stated): gnomAD exomes 0.00005 and 0.00010; ExAC 0.00012; gnomAD 0.00014 and 0.00016; ESP Exome Variant Server 0.00015; 1000 Genomes Project 0.00020; TOPMed 0.00026; 1000 Genomes Project 30x 0.00031.
gnomAD v4.1: 107 of 1,614,176 alleles (0.0066%); highest among the groups gnomAD compares: Admixed American, 0.032%; no homozygotes.

Submissions (4):

Labcorp Genetics (formerly Invitae), Labcorp
Classification: Likely benign. Last evaluated: 2025-12-10. Review status: criteria provided, single submitter. Criteria: Invitae Variant Classification Sherloc (09022015). Collection method: clinical testing. Allele origin: germline.

Blueprint Genetics
Classification: Likely benign. Last evaluated: 2024-04-04. Review status: criteria provided, single submitter. Criteria: ACMG Guidelines, 2015. Collection method: clinical testing. Allele origin: germline.

CeGaT Center for Human Genetics Tuebingen
Classification: Likely benign. Last evaluated: 2022-11-01. Review status: criteria provided, single submitter. Criteria: CeGaT Center For Human Genetics Tuebingen Variant Classification Criteria Version 2. Collection method: clinical testing. Allele origin: germline. Affected: yes. Observed: 1 variant allele.
Comment: CSF1R: BP4, BP7

Illumina Laboratory Services, Illumina
Classification: Benign for Leukoencephalopathy, diffuse hereditary, with spheroids 1. Last evaluated: 2018-01-13. Review status: criteria provided, single submitter. Criteria: ICSL Variant Classification Criteria 13 December 2019. Collection method: clinical testing. Allele origin: germline.
Comment: This variant was observed in the ICSL laboratory as part of a predisposition screen in an ostensibly healthy population. It had not been previously curated by ICSL or reported in the Human Gene Mutation Database (HGMD: prior to June 1st, 2018), and was therefore a candidate for classification through an automated scoring system. Utilizing variant allele frequency, disease prevalence and penetrance estimates, and inheritance mode, an automated score was calculated to assess if this variant is too frequent to cause the disease. Based on the score and internal cut-off values, a variant classified as benign is not then subjected to further curation. The score for this variant resulted in a classification of benign for this disease.